The following is an entry in ClinVar:

NM_000540.3(RYR1):c.3955G>A (p.Glu1319Lys)

Gene: RYR1 (ryanodine receptor 1; plus strand). Cytogenetic location: 19q13.2.
Variant type: single nucleotide variant.
Coding change: c.3955G>A on transcript NM_000540.3 (MANE Select); coding-DNA position 3955, G replaced by A.
Protein change: p.Glu1319Lys; replaces glutamic acid 1319 with lysine.
Molecular consequence: missense variant.
Genome position (GRCh38, 1-based): chr19:38,473,566, G>A. VCF-style: chr19-38473566-G-A. GRCh37 (hg19) VCF-style: chr19-38964206-G-A.
Other names: c.3955G>A, p.Glu1319Lys (NM_001042723.2); short protein forms E1319K.
Identifiers: ClinVar variation 3072487 (VCV003072487.2), dbSNP rs748809831, ClinGen allele CA065395.

ClinVar aggregate classification (germline): Uncertain significance (1 of 4 stars; one submission).

Conditions:
Malignant hyperthermia, susceptibility to, 1 (MHS1). Also called: Anesthesia related hyperthermia; Malignant hyperpyrexia; Fulminating hyperpyrexia; Pharmacogenic myopathy; RYR1-Related Malignant Hyperthermia Susceptibility; Malignant hyperthermia suceptibility 1. Identifiers: Orphanet 423, MedGen C2930980, MONDO:0007783, OMIM 145600.

Allele frequency attached by ClinVar (database versions not stated): gnomAD exomes below 0.00001; TOPMed below 0.00001; gnomAD 0.00001; ExAC 0.00002.
gnomAD v4.1: 4 of 1,600,676 alleles (0.00025%); highest among the groups gnomAD compares: East Asian, 0.0023%; no homozygotes.

Submission:

All of Us Research Program, National Institutes of Health
Classification: Uncertain significance for Malignant hyperthermia, susceptibility to, 1. Last evaluated: 2024-03-24. Review status: criteria provided, single submitter. Criteria: ACMG Guidelines, 2015. Collection method: clinical testing. Allele origin: germline. Inheritance: Autosomal dominant inheritance. Observed: 3 variant alleles, 3 heterozygotes.
Comment: This missense variant replaces glutamic acid with lysine at codon 1319 of the RYR1 protein. Computational prediction is inconclusive regarding the impact of this variant on protein structure and function (internally defined REVEL score threshold 0.5 < inconclusive < 0.7, PMID: 27666373). To our knowledge, functional studies have not been reported for this variant. This variant has not been reported in individuals affected with RYR1-related disorders in the literature. This variant has been identified in 1/217130 chromosomes in the general population by the Genome Aggregation Database (gnomAD). The available evidence is insufficient to determine the role of this variant in disease conclusively. Therefore, this variant is classified as a Variant of Uncertain Significance.

This study involves interpretation of variants in research participants for the purpose of population health screening. Participant phenotype was not available at the time of variant classification. Additional details can be found in publication PMID: 35346344, PMCID: PMC8962531